The following is an entry in ClinVar:

NM_020719.3(PRR12):c.1767C>T (p.Tyr589=)

Gene: PRR12 (proline rich 12; plus strand). Cytogenetic location: 19q13.33.
Variant type: single nucleotide variant.
Coding change: c.1767C>T on transcript NM_020719.3 (MANE Select); coding-DNA position 1767, C replaced by T.
Protein change: p.Tyr589=; no amino-acid change (tyrosine 589 retained).
Molecular consequence: synonymous variant.
Genome position (GRCh38, 1-based): chr19:49,596,102, C>T. VCF-style: chr19-49596102-C-T. GRCh37 (hg19) VCF-style: chr19-50099359-C-T.
Other names: c.1767C>T (NM_020719.2).
Identifiers: ClinVar variation 2650258 (VCV002650258.25), dbSNP rs146167986, ClinGen allele CA9577937.

ClinVar aggregate classification (germline): Benign. Review status: criteria provided, single submitter (1 of 4 stars). 2 submissions from 2 submitters: Benign (1). 1 of the submissions does not count toward it. Last evaluated 2026-08-01.

Conditions:
PRR12-related disorder. Also called: PRR12-related condition.

Allele frequency attached by ClinVar (database versions not stated): 1000 Genomes Project 0.00859; 1000 Genomes Project 30x 0.00859; ExAC 0.01027; gnomAD exomes 0.01126; gnomAD 0.01129; ESP Exome Variant Server 0.01133; TOPMed 0.01210.
gnomAD v4.1: 18,172 of 1,602,826 alleles (1.1%); highest among the groups gnomAD compares: Middle Eastern, 2.2%; 136 homozygotes.

Submissions (2):

CeGaT Center for Human Genetics Tuebingen
Classification: Benign. Last evaluated: 2026-08-01. Review status: criteria provided, single submitter. Criteria: CeGaT Center For Human Genetics Tuebingen Variant Classification Criteria Version 2. Collection method: clinical testing. Allele origin: germline. Affected: yes. Observed: 32 variant alleles.
Comment: PRR12: BP4, BP7, BS1, BS2

PreventionGenetics, part of Exact Sciences
Classification: Benign for PRR12-related condition. Last evaluated: 2019-10-01. Review status: no assertion criteria provided. Collection method: clinical testing. Allele origin: germline. Not counted in ClinVar's aggregate classification.
Comment: This variant is classified as benign based on ACMG/AMP sequence variant interpretation guidelines (Richards et al. 2015 PMID: 25741868, with internal and published modifications).